The following is an entry in ClinVar:

NM_003001.5(SDHC):c.124del (p.Trp42fs)

Gene: SDHC (succinate dehydrogenase complex subunit C; plus strand). Cytogenetic location: 1q23.3.
Variant type: Deletion.
Coding change: c.124del on transcript NM_003001.5 (MANE Select); coding-DNA position 124, one base deleted (T; older notation c.124delT).
Protein change: p.Trp42fs; shifts the reading frame from tryptophan 42.
Molecular consequence: frameshift variant. On other transcripts: non-coding transcript variant (1), intron variant (4).
Genome position (GRCh38, 1-based): chr1:161,328,442, T deleted. VCF-style (leftmost placement, unchanged base first): chr1-161328441-CT-C. GRCh37 (hg19) VCF-style: chr1-161298231-CT-C.
Other names: c.124del, p.Trp42fs (NM_001035511.3, NM_001407115.1); c.67del, p.Trp23fs (NM_001407116.1, NM_001407117.1, NM_001407121.1); c.13del, p.Trp5fs (NM_001407119.1, NM_001407120.1); c.77+4772del (NM_001035512.3, NM_001278172.3, NM_001407118.1); c.21-12152del (NM_001035513.3); short protein forms W42fs, W23fs, W5fs.
Identifiers: ClinVar variation 1072500 (VCV001072500.8), dbSNP rs2102307803, ClinGen allele CA2499214278.

ClinVar aggregate classification (germline): Pathogenic (1 of 4 stars; one submission).

Conditions:
Gastrointestinal stromal tumor. Also called: Gastrointestinal stromal tumor, somatic; Gastrointestinal stroma tumor. Identifiers: Orphanet 44890, MedGen C0238198, MeSH D046152, MONDO:0011719, OMIM 606764, HP:0100723.
Pheochromocytoma/paraganglioma syndrome 3. Also called: GLOMUS TUMORS, FAMILIAL, 3; SDHC-Related Hereditary Paraganglioma-Pheochromocytoma Syndrome (Paragangliomas 3); Paragangliomas 3; SDHC-Related Hereditary Paraganglioma-Pheochromocytoma Syndrome. Identifiers: Orphanet 29072, MedGen C1854336, MONDO:0011544, OMIM 605373.

Submission:

Labcorp Genetics (formerly Invitae), Labcorp
Classification: Pathogenic for Pheochromocytoma/paraganglioma syndrome 3; Gastrointestinal stromal tumor. Last evaluated: 2021-02-26. Review status: criteria provided, single submitter. Criteria: Invitae Variant Classification Sherloc (09022015). Collection method: clinical testing. Allele origin: germline.
Comment: For these reasons, this variant has been classified as Pathogenic. This variant has not been reported in the literature in individuals with SDHC-related conditions. This variant is not present in population databases (ExAC no frequency). This sequence change creates a premature translational stop signal (p.Trp42Glyfs*5) in the SDHC gene. It is expected to result in an absent or disrupted protein product. Loss-of-function variants in SDHC are known to be pathogenic (PMID: 19454582, 24758179).

Literature cited by the submitters: PubMed 19454582; PubMed 24758179.